The following is an entry in ClinVar:

NM_012096.3(APPL1):c.1223A>C (p.His408Pro)

Gene: APPL1 (adaptor protein, phosphotyrosine interacting with PH domain and leucine zipper 1; plus strand). Cytogenetic location: 3p14.3.
Variant type: single nucleotide variant.
Coding change: c.1223A>C on transcript NM_012096.3 (MANE Select); coding-DNA position 1223, A replaced by C.
Protein change: p.His408Pro; replaces histidine 408 with proline.
Molecular consequence: missense variant.
Genome position (GRCh38, 1-based): chr3:57,257,027, A>C. VCF-style: chr3-57257027-A-C. GRCh37 (hg19) VCF-style: chr3-57291055-A-C.
Other names: short protein forms H408P.
Identifiers: ClinVar variation 4526088 (VCV004526088.1).

ClinVar aggregate classification (germline): Uncertain significance (1 of 4 stars; one submission).

Submission:

Women's Health and Genetics/Laboratory Corporation of America, LabCorp
Classification: Uncertain significance. Last evaluated: 2025-07-08. Review status: criteria provided, single submitter. Criteria: LabCorp Variant Classification Summary - May 2015. Collection method: clinical testing. Allele origin: germline.
Comment: Variant summary: APPL1 c.1223A>C (p.His408Pro) results in a non-conservative amino acid change in the encoded protein sequence. Algorithms developed to predict the effect of missense changes on protein structure and function are either unavailable or do not agree on the potential impact of this missense change. The variant was absent in 251384 control chromosomes. The available data on variant occurrences in the general population are insufficient to allow any conclusion about variant significance. To our knowledge, no occurrence of c.1223A>C in individuals affected with Maturity-Onset Diabetes Of The Young Type 14 and no experimental evidence demonstrating its impact on protein function have been reported. No submitters have cited clinical-significance assessments for this variant to ClinVar. Based on the evidence outlined above, the variant was classified as uncertain significance.